The following is an entry in ClinVar:

ClinVar aggregate classification (germline): Uncertain significance (1 of 4 stars; one submission).

Conditions:
Hereditary cancer-predisposing syndrome. Also called: Neoplastic Syndromes, Hereditary; Tumor predisposition; Hereditary neoplastic syndrome; Hereditary Cancer Syndrome. Identifiers: Orphanet 140162, MedGen C0027672, MeSH D009386, MONDO:0015356.

Submission:

Ambry Genetics
Classification: Uncertain significance for Hereditary cancer-predisposing syndrome. Last evaluated: 2026-08-14. Review status: criteria provided, single submitter. Criteria: Ambry Variant Classification Scheme 2023. Collection method: clinical testing. Allele origin: germline.
Comment: The p.N428Y variant (also known as c.1282A>T), located in coding exon 8 of the BRIP1 gene, results from an A to T substitution at nucleotide position 1282. The asparagine at codon 428 is replaced by tyrosine, an amino acid with dissimilar properties. This amino acid position is conserved. In addition, this alteration is predicted to be tolerated by in silico analysis. Based on the available evidence, the clinical significance of this variant remains unclear.

NM_032043.3(BRIP1):c.1282A>T (p.Asn428Tyr)

Gene: BRIP1 (BRCA1 interacting DNA helicase 1; minus strand). Cytogenetic location: 17q23.2.
Variant type: single nucleotide variant.
Coding change: c.1282A>T on transcript NM_032043.3 (MANE Select); coding-DNA position 1282, A replaced by T.
Protein change: p.Asn428Tyr; replaces asparagine 428 with tyrosine.
Molecular consequence: missense variant.
Genome position (GRCh38, 1-based): chr17:61,799,158, T>A on the plus strand (A>T on the coding strand, the complement: BRIP1 is on the minus strand). VCF-style: chr17-61799158-T-A. GRCh37 (hg19) VCF-style: chr17-59876519-T-A.
Other names: short protein forms N428Y.
Identifiers: ClinVar variation 5033451 (VCV005033451.1).